The following is an entry in ClinVar:

ClinVar aggregate classification (germline): Uncertain significance (1 of 4 stars; one submission).

Conditions:
Autosomal recessive severe congenital neutropenia due to G6PC3 deficiency. Also called: NEUTROPENIA, SEVERE CONGENITAL, 4, AUTOSOMAL RECESSIVE; G6PC3 Deficiency. Identifiers: Orphanet 331176, MedGen C2751630, MONDO:0012930, OMIM 612541.

Submission:

Labcorp Genetics (formerly Invitae), Labcorp
Classification: Uncertain significance for Autosomal recessive severe congenital neutropenia due to G6PC3 deficiency. Last evaluated: 2021-02-02. Review status: criteria provided, single submitter. Criteria: Invitae Variant Classification Sherloc (09022015). Collection method: clinical testing. Allele origin: germline.
Comment: This sequence change replaces aspartic acid with glutamic acid at codon 244 of the G6PC3 protein (p.Asp244Glu). The aspartic acid residue is moderately conserved and there is a small physicochemical difference between aspartic acid and glutamic acid. This variant is not present in population databases (ExAC no frequency). This variant has not been reported in the literature in individuals with G6PC3-related conditions. Algorithms developed to predict the effect of missense changes on protein structure and function output the following: SIFT: "Tolerated"; PolyPhen-2: "Benign"; Align-GVGD: "Class C0". The glutamic acid amino acid residue is found in multiple mammalian species, suggesting that this missense change does not adversely affect protein function. These predictions have not been confirmed by published functional studies and their clinical significance is uncertain. In summary, the available evidence is currently insufficient to determine the role of this variant in disease. Therefore, it has been classified as a Variant of Uncertain Significance.

NM_138387.4(G6PC3):c.732T>A (p.Asp244Glu)

Gene: G6PC3 (glucose-6-phosphatase catalytic subunit 3; plus strand). Cytogenetic location: 17q21.31.
Variant type: single nucleotide variant.
Coding change: c.732T>A on transcript NM_138387.4 (MANE Select); coding-DNA position 732, T replaced by A.
Protein change: p.Asp244Glu; replaces aspartic acid 244 with glutamic acid.
Molecular consequence: missense variant. On other transcripts: 3 prime UTR variant (1).
Genome position (GRCh38, 1-based): chr17:44,075,734, T>A. VCF-style: chr17-44075734-T-A. GRCh37 (hg19) VCF-style: chr17-42153102-T-A.
Other names: c.*25T>A (NM_001319945.2); c.387T>A, p.Asp129Glu (NM_001384165.1, NM_001384166.1, NM_001384167.1 and 1 more transcripts); short protein forms D244E, D129E.
Identifiers: ClinVar variation 1465199 (VCV001465199.8), dbSNP rs1597911422, ClinGen allele CA399729211.
Genomic context (GRCh38, chr17:44,075,734, plus strand): 5'-CCACAGGTCCATCAGCCTAGCCTTCAAGTGGTGTGAGCGGCCTGAGTGGATACACGTGGA[T>A]AGCCGGCCCTTTGCCTCCCTGAGCCGTGACTCAGGGGCTGCCCTGGGCCTGGGCATTGCC-3'
Protein context (NP_612396.1, residues 234-254): WCERPEWIHV[Asp244Glu]SRPFASLSRD